The following is an entry in ClinVar:

NM_001032283.3(TMPO):c.565+1435C>T

Gene: TMPO (thymopoietin; plus strand). Cytogenetic location: 12q23.1.
Variant type: single nucleotide variant.
Coding change: c.565+1435C>T on transcript NM_001032283.3 (MANE Select); 1435 bases into the intron after coding-DNA position 565, C replaced by T.
Molecular consequence: intron variant. On other transcripts: missense variant (1).
Genome position (GRCh38, 1-based): chr12:98,533,273, C>T. VCF-style: chr12-98533273-C-T. GRCh37 (hg19) VCF-style: chr12-98927051-C-T.
Other names: c.1016C>T, p.Pro339Leu (NM_003276.2); c.565+1435C>T (NM_001307975.2, NM_001032284.3); short protein forms P339L.
Identifiers: ClinVar variation 4743663 (VCV004743663.1).
Genomic context (GRCh38, chr12:98,533,273, plus strand): 5'-CTGGTTACTATAAAGACATAGTAGAAAATATTTGCGGTAGAGAGAAAAGTGGAATTCAAC[C>T]ATTATGTCCTGAGAGGTCCCATATTTCAGATCAATCGCCTCTCTCCAGTAAAAGGAAAGC-3'

ClinVar aggregate classification (germline): Uncertain significance (1 of 4 stars; one submission).

Conditions:
Loeys-Dietz syndrome 2 (LDS2). Also called: TGFBR2-Related Loeys-Dietz Syndrome; Marfan syndrome, type 2 (formerly); AORTIC ANEURYSM, FAMILIAL THORACIC 3; MARFAN SYNDROME, TYPE II; Marfan Syndrome type 2; Marfan like connective tissue disorder. Identifiers: Orphanet 284973, Orphanet 558, MedGen C2674574, MONDO:0012427, OMIM 610168.

Submission:

Labcorp Genetics (formerly Invitae), Labcorp
Classification: Uncertain significance for Loeys-Dietz syndrome 2. Last evaluated: 2025-12-27. Review status: criteria provided, single submitter. Criteria: Invitae Variant Classification Sherloc (09022015). Collection method: clinical testing. Allele origin: germline.
Comment: This sequence change replaces proline, which is neutral and non-polar, with leucine, which is neutral and non-polar, at codon 339 of the TMPO protein (p.Pro339Leu). This variant is not present in population databases (gnomAD no frequency). This variant has not been reported in the literature in individuals affected with TMPO-related conditions. Invitae Evidence Modeling of protein sequence and biophysical properties (such as structural, functional, and spatial information, amino acid conservation, physicochemical variation, residue mobility, and thermodynamic stability) indicates that this missense variant is not expected to disrupt TMPO protein function with a negative predictive value of 80%. In summary, the available evidence is currently insufficient to determine the role of this variant in disease. Therefore, it has been classified as a Variant of Uncertain Significance.